The following is an entry in ClinVar:

NM_032575.3(GLIS2):c.*1130G>A

Gene: GLIS2 (GLIS family zinc finger 2; plus strand). Cytogenetic location: 16p13.3.
Variant type: single nucleotide variant.
Coding change: c.*1130G>A on transcript NM_032575.3 (MANE Select); 1130 bases downstream of the stop codon, G replaced by A.
Molecular consequence: 3 prime UTR variant.
Genome position (GRCh38, 1-based): chr16:4,338,654, G>A. VCF-style: chr16-4338654-G-A. GRCh37 (hg19) VCF-style: chr16-4388655-G-A.
Other names: c.*1130G>A (NM_001318918.2).
Identifiers: ClinVar variation 319252 (VCV000319252.6), dbSNP rs7197512, ClinGen allele CA10648389.

ClinVar aggregate classification (germline): Benign. Review status: criteria provided, multiple submitters, no conflicts (2 of 4 stars). 2 submissions from 2 submitters: Benign (2). Last evaluated 2018-01-13.

Conditions:
Nephronophthisis 7 (NPHP7). Identifiers: Orphanet 655, MedGen C1969092, MONDO:0012680, OMIM 611498.

Allele frequency attached by ClinVar (database versions not stated): 1000 Genomes Project 0.00998; gnomAD exomes 0.00126; 1000 Genomes Project 30x 0.01077; gnomAD 0.00940 and 0.01011; TOPMed 0.01064.
gnomAD v4.1: 1,426 of 153,120 alleles (0.93%); highest among the groups gnomAD compares: Middle Eastern, 3%; 15 homozygotes.

Submissions (2):

Illumina Laboratory Services, Illumina
Classification: Benign for Nephronophthisis 7. Last evaluated: 2018-01-13. Review status: criteria provided, single submitter. Criteria: ICSL Variant Classification Criteria 13 December 2019. Collection method: clinical testing. Allele origin: germline.
Comment: This variant was observed in the ICSL laboratory as part of a predisposition screen in an ostensibly healthy population. It had not been previously curated by ICSL or reported in the Human Gene Mutation Database (HGMD: prior to June 1st, 2018), and was therefore a candidate for classification through an automated scoring system. Utilizing variant allele frequency, disease prevalence and penetrance estimates, and inheritance mode, an automated score was calculated to assess if this variant is too frequent to cause the disease. Based on the score and internal cut-off values, a variant classified as benign is not then subjected to further curation. The score for this variant resulted in a classification of benign for this disease.

Breakthrough Genomics
Classification: Benign. Review status: criteria provided, single submitter. Criteria: ACMG Guidelines, 2015. Collection method: not provided. Allele origin: germline. Inheritance: Unknown mechanism. Affected: yes.